The following is an entry in ClinVar:

NM_002968.3(SALL1):c.2882C>G (p.Ser961Cys)

Gene: SALL1 (spalt like transcription factor 1; minus strand). Cytogenetic location: 16q12.1.
Variant type: single nucleotide variant.
Coding change: c.2882C>G on transcript NM_002968.3 (MANE Select); coding-DNA position 2882, C replaced by G.
Protein change: p.Ser961Cys; replaces serine 961 with cysteine.
Molecular consequence: missense variant.
Genome position (GRCh38, 1-based): chr16:51,139,340, G>C on the plus strand (C>G on the coding strand, the complement: SALL1 is on the minus strand). VCF-style: chr16-51139340-G-C. GRCh37 (hg19) VCF-style: chr16-51173251-G-C.
Other names: c.2591C>G, p.Ser864Cys (NM_001127892.2); short protein forms S961C, S864C.
Identifiers: ClinVar variation 3781241 (VCV003781241.1).

ClinVar aggregate classification (germline): Uncertain significance (1 of 4 stars; one submission).

Submission:

GeneDx
Classification: Uncertain significance. Last evaluated: 2024-10-15. Review status: criteria provided, single submitter. Criteria: GeneDx Variant Classification Process June 2021. Collection method: clinical testing. Allele origin: germline. Affected: yes.
Comment: Not observed at significant frequency in large population cohorts (gnomAD); In silico analysis indicates that this missense variant does not alter protein structure/function; Has not been previously published as pathogenic or benign to our knowledge.